The following is an entry in ClinVar:

NM_001908.5(CTSB):c.520G>A (p.Glu174Lys)

Gene: CTSB (cathepsin B). Cytogenetic location: 8p23.1.
Variant type: single nucleotide variant.
Coding change: c.520G>A on transcript NM_001908.5 (MANE Select); coding-DNA position 520, G replaced by A.
Protein change: p.Glu174Lys; replaces glutamic acid 174 with lysine.
Molecular consequence: missense variant.
Genome position (GRCh38, 1-based): chr8:11,848,079, C>T on the plus strand (G>A on the coding strand, the complement: CTSB is on the minus strand). VCF-style: chr8-11848079-C-T. GRCh37 (hg19) VCF-style: chr8-11705588-C-T.
Other names: c.148G>A, p.Glu50Lys (NM_001317237.2); c.520G>A, p.Glu174Lys (NM_001384714.1, NM_001384723.1, NM_001384724.1 and 8 more transcripts); short protein forms E50K, E174K.
Identifiers: ClinVar variation 1439989 (VCV001439989.6), dbSNP rs543876755, ClinGen allele CA4632785.

ClinVar aggregate classification (germline): Uncertain significance (1 of 4 stars; one submission).

Allele frequency attached by ClinVar (database versions not stated): gnomAD exomes below 0.00001 and 0.00001; ExAC 0.00001; gnomAD 0.00001; TOPMed 0.00002; 1000 Genomes Project 0.00020; 1000 Genomes Project 30x 0.00031.
gnomAD v4.1: 6 of 1,613,142 alleles (0.00037%); highest among the groups gnomAD compares: Admixed American, 0.0017%; no homozygotes.

Submission:

Labcorp Genetics (formerly Invitae), Labcorp
Classification: Uncertain significance. Last evaluated: 2021-12-02. Review status: criteria provided, single submitter. Criteria: Invitae Variant Classification Sherloc (09022015). Collection method: clinical testing. Allele origin: germline.
Comment: In summary, the available evidence is currently insufficient to determine the role of this variant in disease. Therefore, it has been classified as a Variant of Uncertain Significance. Algorithms developed to predict the effect of missense changes on protein structure and function are either unavailable or do not agree on the potential impact of this missense change (SIFT: "Not Available"; PolyPhen-2: "Benign"; Align-GVGD: "Not Available"). This variant has not been reported in the literature in individuals affected with CTSB-related conditions. This variant is present in population databases (rs543876755, gnomAD 0.003%). This sequence change replaces glutamic acid with lysine at codon 174 of the CTSB protein (p.Glu174Lys). The glutamic acid residue is weakly conserved and there is a small physicochemical difference between glutamic acid and lysine.